The following is an entry in ClinVar:

NM_032043.3(BRIP1):c.1266A>G (p.Leu422=)

Gene: BRIP1 (BRCA1 interacting DNA helicase 1; minus strand). Cytogenetic location: 17q23.2.
Variant type: single nucleotide variant.
Coding change: c.1266A>G on transcript NM_032043.3 (MANE Select); coding-DNA position 1266, A replaced by G.
Protein change: p.Leu422=; no amino-acid change (leucine 422 retained).
Molecular consequence: synonymous variant.
Genome position (GRCh38, 1-based): chr17:61,799,174, T>C on the plus strand (A>G on the coding strand, the complement: BRIP1 is on the minus strand). VCF-style: chr17-61799174-T-C. GRCh37 (hg19) VCF-style: chr17-59876535-T-C.
Identifiers: ClinVar variation 923847 (VCV000923847.14), dbSNP rs1484320639, ClinGen allele CA501151507.
Genomic context (GRCh38, chr17:61,799,174, plus strand): 5'-GCACACAGCTCGTAGGGGTTCATGATCTTTCTTCCTTATATTATTGTTGACCATACTATC[T>C]AGTTCATCCCGAGCAAACCGAAGCTGAACTTCTGTTACACTGTAACTTGCTGATTCCCGA-3'
Protein context (NP_114432.2, residues 412-432): EVQLRFARDE[Leu422=]DSMVNNNIRK

ClinVar aggregate classification (germline): Benign/Likely benign. Review status: criteria provided, multiple submitters, no conflicts (2 of 4 stars). 4 submissions from 4 submitters: Benign (1); Likely benign (3). Last evaluated 2026-01-26.

Conditions:
Familial cancer of breast. Also called: hereditary breast carcinoma; BREAST CANCER, FAMILIAL; Hereditary breast cancer. Identifiers: Orphanet 227535, MedGen C0346153, MONDO:0016419, OMIM 114480. Disease mechanism: loss of function.
Fanconi anemia complementation group J. Also called: BRIP1-Related Fanconi Anemia. Identifiers: Orphanet 84, MedGen C1836860, MONDO:0012187, OMIM 609054.
Hereditary cancer-predisposing syndrome. Also called: Hereditary Cancer Syndrome; Hereditary neoplastic syndrome; Neoplastic Syndromes, Hereditary; Tumor predisposition. Identifiers: Orphanet 140162, MedGen C0027672, MeSH D009386, MONDO:0015356.

Allele frequency attached by ClinVar (database versions not stated): gnomAD 0.00001; gnomAD exomes 0.00001.
gnomAD v4.1: 3 of 1,613,634 alleles (0.00019%); highest among the groups gnomAD compares: African/African-American, 0.0027%; no homozygotes.

Submissions (4):

Labcorp Genetics (formerly Invitae), Labcorp
Classification: Likely benign for Familial cancer of breast; Fanconi anemia complementation group J. Last evaluated: 2026-01-26. Review status: criteria provided, single submitter. Criteria: Invitae Variant Classification Sherloc (09022015). Collection method: clinical testing. Allele origin: germline.

Myriad Genetics, Inc.
Classification: Benign for Familial cancer of breast. Last evaluated: 2024-08-26. Review status: criteria provided, single submitter. Criteria: Myriad Autosomal Dominant, Autosomal Recessive and X-Linked Classification Criteria (2023). Collection method: clinical testing. Allele origin: unknown.
Comment: This variant is considered benign. This variant is a silent/synonymous amino acid change and it is not expected to impact splicing.

Color Diagnostics, LLC DBA Color Health
Classification: Likely benign for Hereditary cancer-predisposing syndrome. Last evaluated: 2018-12-03. Review status: criteria provided, single submitter. Criteria: ACMG Guidelines, 2015. Collection method: clinical testing. Allele origin: germline.

Ambry Genetics
Classification: Likely benign for Hereditary cancer-predisposing syndrome. Last evaluated: 2015-12-22. Review status: criteria provided, single submitter. Criteria: Ambry Variant Classification Scheme 2023. Collection method: clinical testing. Allele origin: germline.